The following is an entry in ClinVar:

NC_000023.10:g.(?_32305626)_(32366665_?)dup

Gene: DMD (dystrophin; minus strand). Cytogenetic location: Xp21.1.
Variant type: Duplication.
Identifiers: ClinVar variation 646955 (VCV000646955.1).

ClinVar aggregate classification (germline): Likely pathogenic (1 of 4 stars; one submission).

Conditions:
Duchenne muscular dystrophy (DMD). Also called: MUSCULAR DYSTROPHY, PSEUDOHYPERTROPHIC PROGRESSIVE, DUCHENNE TYPE; Duchenne Muscular Dystrophy (DMD). Identifiers: Orphanet 98896, MedGen C0013264, MONDO:0010679, OMIM 310200.

Submission:

Labcorp Genetics (formerly Invitae), Labcorp
Classification: Likely pathogenic for Duchenne muscular dystrophy. Last evaluated: 2018-08-02. Review status: criteria provided, single submitter. Criteria: Invitae Variant Classification Sherloc (09022015). Collection method: clinical testing. Allele origin: germline.
Comment: This variant results in a copy number gain of the genomic region encompassing exons 38-43 of the DMD gene. While the exact position of this variant cannot be determined from this data, sub-genic copy number gains are generally in tandem (PMID: 25640679) and may result in an absent or disrupted protein product. A similar copy number gain of exons 38-43 has been reported in an individual affected withÂ¬â€ Duchenne/Becker muscular dystrophyÂ¬â€ (PMID: 2316519). Loss-of-function variants in DMD are known to be pathogenic (PMID: 16770791, 25007885). In summary, the currently available evidence indicates that the variant is pathogenic, but additional data are needed to prove that conclusively. Therefore, this variant has been classified as Likely Pathogenic.

Literature cited by the submitters: PubMed 2316519.